The following is an entry in ClinVar:

ClinVar aggregate classification (germline): Uncertain significance (1 of 4 stars; one submission).

Conditions:
Primary ciliary dyskinesia. Also called: Ciliary dyskinesia. Identifiers: Orphanet 244, MedGen C0008780, MONDO:0016575, HP:0012265.

gnomAD v4.1: 1 of 1,601,554 alleles (0.000062%); highest among the groups gnomAD compares: Non-Finnish European, 0.000085%; no homozygotes.

Submission:

Labcorp Genetics (formerly Invitae), Labcorp
Classification: Uncertain significance for Primary ciliary dyskinesia. Last evaluated: 2024-10-19. Review status: criteria provided, single submitter. Criteria: Invitae Variant Classification Sherloc (09022015). Collection method: clinical testing. Allele origin: germline.
Comment: This sequence change replaces aspartic acid, which is acidic and polar, with histidine, which is basic and polar, at codon 2451 of the DNAH11 protein (p.Asp2451His). This variant is not present in population databases (gnomAD no frequency). This variant has not been reported in the literature in individuals affected with DNAH11-related conditions. Invitae Evidence Modeling of protein sequence and biophysical properties (such as structural, functional, and spatial information, amino acid conservation, physicochemical variation, residue mobility, and thermodynamic stability) indicates that this missense variant is not expected to disrupt DNAH11 protein function with a negative predictive value of 95%. In summary, the available evidence is currently insufficient to determine the role of this variant in disease. Therefore, it has been classified as a Variant of Uncertain Significance.

NM_001277115.2(DNAH11):c.7351G>C (p.Asp2451His)

Gene: DNAH11 (dynein axonemal heavy chain 11; plus strand). Cytogenetic location: 7p15.3.
Variant type: single nucleotide variant.
Coding change: c.7351G>C on transcript NM_001277115.2 (MANE Select); coding-DNA position 7351, G replaced by C.
Protein change: p.Asp2451His; replaces aspartic acid 2451 with histidine.
Molecular consequence: missense variant.
Genome position (GRCh38, 1-based): chr7:21,725,895, G>C. VCF-style: chr7-21725895-G-C. GRCh37 (hg19) VCF-style: chr7-21765513-G-C.
Other names: short protein forms D2451H.
Identifiers: ClinVar variation 3684096 (VCV003684096.2).